The following is an entry in ClinVar:

ClinVar aggregate classification (germline): Likely benign (0 of 4 stars; one submission).

Conditions:
NUP188-related disorder. Also called: NUP188-related condition.

Allele frequency attached by ClinVar (database versions not stated): gnomAD 0.00001; TOPMed 0.00001; ExAC 0.00002; gnomAD exomes 0.00002.
gnomAD v4.1: 36 of 1,608,398 alleles (0.0022%); highest among the groups gnomAD compares: Non-Finnish European, 0.0027%; no homozygotes.

Submission:

PreventionGenetics, part of Exact Sciences
Classification: Likely benign for NUP188-related condition. Last evaluated: 2019-03-14. Review status: no assertion criteria provided. Collection method: clinical testing. Allele origin: germline.
Comment: This variant is classified as likely benign based on ACMG/AMP sequence variant interpretation guidelines (Richards et al. 2015 PMID: 25741868, with internal and published modifications).

NM_015354.3(NUP188):c.4737+4C>T

Gene: NUP188 (nucleoporin 188; plus strand). Cytogenetic location: 9q34.11.
Variant type: single nucleotide variant.
Coding change: c.4737+4C>T on transcript NM_015354.3 (MANE Select); 4 bases into the intron after coding-DNA position 4737, C replaced by T.
Molecular consequence: intron variant.
Genome position (GRCh38, 1-based): chr9:129,005,534, C>T. VCF-style: chr9-129005534-C-T. GRCh37 (hg19) VCF-style: chr9-131767813-C-T.
Identifiers: ClinVar variation 3057981 (VCV003057981.2), dbSNP rs746931427, ClinGen allele CA5273428.